The following is an entry in ClinVar:

NM_145868.2(ANXA11):c.1382G>A (p.Arg461His)

Gene: ANXA11 (annexin A11; minus strand). Cytogenetic location: 10q22.3.
Variant type: single nucleotide variant.
Coding change: c.1382G>A on transcript NM_145868.2 (MANE Select); coding-DNA position 1382, G replaced by A.
Protein change: p.Arg461His; replaces arginine 461 with histidine.
Molecular consequence: missense variant.
Genome position (GRCh38, 1-based): chr10:80,157,717, C>T on the plus strand (G>A on the coding strand, the complement: ANXA11 is on the minus strand). VCF-style: chr10-80157717-C-T. GRCh37 (hg19) VCF-style: chr10-81917473-C-T.
Other names: c.1382G>A, p.Arg461His (NM_001157.3, NM_001278407.2, NM_001278408.2 and 1 more transcripts); c.1283G>A, p.Arg428His (NM_001278409.2); c.1382G>A (NM_001157.2); short protein forms R428H, R461H.
Identifiers: ClinVar variation 1966979 (VCV001966979.7), dbSNP rs961003614, ClinGen allele CA210314970.

ClinVar aggregate classification (germline): Uncertain significance. Review status: criteria provided, multiple submitters, no conflicts (2 of 4 stars). 3 submissions from 3 submitters: Uncertain significance (3). Last evaluated 2025-08-01.

Conditions:
Amyotrophic lateral sclerosis type 23. Identifiers: MedGen C4693381, MONDO:0027694, OMIM 617839.
Inborn genetic diseases. Identifiers: MedGen C0950123, MeSH D030342.

Allele frequency attached by ClinVar (database versions not stated): gnomAD 0.00001; gnomAD exomes 0.00001.
gnomAD v4.1: 16 of 1,613,834 alleles (0.00099%); highest among the groups gnomAD compares: East Asian, 0.013%; no homozygotes.

Submissions (3):

Ambry Genetics
Classification: Uncertain significance for Inborn genetic diseases. Last evaluated: 2025-08-01. Review status: criteria provided, single submitter. Criteria: Ambry Variant Classification Scheme 2023. Collection method: clinical testing. Allele origin: germline.

Department of Pathology and Laboratory Medicine, Sinai Health System
Classification: Uncertain significance for amyotrophic lateral sclerosis type 23. Last evaluated: 2022-06-22. Review status: criteria provided, single submitter. Criteria: ACMG Guidelines, 2015. Collection method: research. Allele origin: germline.

Labcorp Genetics (formerly Invitae), Labcorp
Classification: Uncertain significance. Last evaluated: 2022-04-12. Review status: criteria provided, single submitter. Criteria: Invitae Variant Classification Sherloc (09022015). Collection method: clinical testing. Allele origin: germline.
Comment: Algorithms developed to predict the effect of missense changes on protein structure and function (SIFT, PolyPhen-2, Align-GVGD) all suggest that this variant is likely to be disruptive. In summary, the available evidence is currently insufficient to determine the role of this variant in disease. Therefore, it has been classified as a Variant of Uncertain Significance. This variant has not been reported in the literature in individuals affected with ANXA11-related conditions. This variant is present in population databases (no rsID available, gnomAD 0.01%). This sequence change replaces arginine, which is basic and polar, with histidine, which is basic and polar, at codon 461 of the ANXA11 protein (p.Arg461His).